The following is an entry in ClinVar:

ClinVar aggregate classification (germline): Uncertain significance. Review status: criteria provided, multiple submitters, no conflicts (2 of 4 stars). 2 submissions from 2 submitters: Uncertain significance (2). Last evaluated 2018-04-25.

Submissions (2):

GeneDx
Classification: Uncertain significance. Last evaluated: 2018-04-25. Review status: criteria provided, single submitter. Criteria: GeneDx Variant Classification (06012015). Collection method: clinical testing. Allele origin: germline. Affected: yes.
Comment: The c.999_1000delAG variant in the SLC35A1 gene has not been reported previously as a pathogenic variant nor as a benign variant, to our knowledge. The c.999_1000delAG variant causes a frameshift starting with codon Arginine 333, changes this amino acid to a Serine residue, and creates a Stop codon at position 23 of the new reading frame, denoted p.Arg333SerfsX23. This frameshift variant replaces 5 correct amino acid residues with 22 different amino acid residues, which may cause loss of normal protein function. The c.999_1000delAG variant is not observed in large population cohorts (Lek et al., 2016). We interpret c.999_1000delAG as a variant of uncertain significance.

Breakthrough Genomics
Classification: Uncertain significance. Review status: criteria provided, single submitter. Criteria: ACMG Guidelines, 2015. Collection method: not provided. Allele origin: germline. Inheritance: Autosomal recessive inheritance. Affected: yes.

NM_006416.5(SLC35A1):c.999_1000del (p.Arg333fs)

Gene: SLC35A1 (solute carrier family 35 member A1; plus strand). Cytogenetic location: 6q15.
Variant type: Microsatellite.
Coding change: c.999_1000del on transcript NM_006416.5 (MANE Select); coding-DNA positions 999 to 1000, 2 bases deleted (AG; older notation c.999_1000delAG).
Protein change: p.Arg333fs; shifts the reading frame from arginine 333.
Molecular consequence: frameshift variant.
Genome position (GRCh38, 1-based): chr6:87,511,511-87,511,512, AG deleted; deleting any 2 consecutive bases within chr6:87,511,506-87,511,512 gives the same sequence; the c. name uses the placement nearest the transcript's 3' end. VCF-style (leftmost placement, unchanged base first): chr6-87511505-GGA-G. GRCh37 (hg19) VCF-style: chr6-88221223-GGA-G.
Other names: c.822_823del, p.Arg274fs (NM_001168398.2); short protein forms R274fs, R333fs.
Identifiers: ClinVar variation 524099 (VCV000524099.3), dbSNP rs776417709, ClinGen allele CA3916124.